The following is an entry in ClinVar:

NM_177972.3(TUB):c.542T>A (p.Leu181His)

Genes: RIC3 (RIC3 acetylcholine receptor chaperone; minus strand), TUB (TUB bipartite transcription factor; plus strand). Cytogenetic location: 11p15.4.
Variant type: single nucleotide variant.
Coding change: c.542T>A on transcript NM_177972.3 (MANE Select); coding-DNA position 542, T replaced by A.
Protein change: p.Leu181His; replaces leucine 181 with histidine.
Molecular consequence: missense variant.
Genome position (GRCh38, 1-based): chr11:8,095,642, T>A. VCF-style: chr11-8095642-T-A. GRCh37 (hg19) VCF-style: chr11-8117189-T-A.
Other names: c.707T>A, p.Leu236His (NM_003320.5); short protein forms L181H, L236H.
Identifiers: ClinVar variation 1713961 (VCV001713961.5), dbSNP rs1435820510, ClinGen allele CA379566626.

ClinVar aggregate classification (germline): Uncertain significance (1 of 4 stars; one submission).

Allele frequency attached by ClinVar (database versions not stated): TOPMed below 0.00001; gnomAD 0.00001.
gnomAD v4.1: 2 of 1,605,928 alleles (0.00012%); highest among the groups gnomAD compares: African/African-American, 0.0027%; no homozygotes.

Submission:

Labcorp Genetics (formerly Invitae), Labcorp
Classification: Uncertain significance. Last evaluated: 2022-07-27. Review status: criteria provided, single submitter. Criteria: Invitae Variant Classification Sherloc (09022015). Collection method: clinical testing. Allele origin: germline.
Comment: This variant is not present in population databases (gnomAD no frequency). This variant has not been reported in the literature in individuals affected with TUB-related conditions. Algorithms developed to predict the effect of missense changes on protein structure and function are either unavailable or do not agree on the potential impact of this missense change (SIFT: "Deleterious"; PolyPhen-2: "Probably Damaging"; Align-GVGD: "Class C0"). In summary, the available evidence is currently insufficient to determine the role of this variant in disease. Therefore, it has been classified as a Variant of Uncertain Significance. This sequence change replaces leucine, which is neutral and non-polar, with histidine, which is basic and polar, at codon 236 of the TUB protein (p.Leu236His).